The following is an entry in ClinVar:

NM_000222.3(KIT):c.1116-16_1116-14del

Gene: KIT (KIT proto-oncogene, receptor tyrosine kinase; plus strand). Cytogenetic location: 4q12.
Variant type: Deletion.
Coding change: c.1116-16_1116-14del on transcript NM_000222.3 (MANE Select); 16 bases into the intron before coding-DNA position 1116 through 14 bases into the intron before coding-DNA position 1116, 3 bases deleted (TGT; older notation c.1116-16_1116-14delTGT).
Molecular consequence: intron variant.
Genome position (GRCh38, 1-based): chr4:54,709,408-54,709,410, TGT deleted; deleting any 3 consecutive bases within chr4:54,709,406-54,709,410 gives the same sequence; the c. name uses the placement nearest the transcript's 3' end. VCF-style (leftmost placement, unchanged base first): chr4-54709405-AGTT-A. GRCh37 (hg19) VCF-style: chr4-55575571-AGTT-A.
Other names: c.1119-16_1119-14del (NM_001385284.1, NM_001385290.1, NM_001385288.1 and 1 more transcripts); c.1116-16_1116-14del (NM_001385285.1, NM_001093772.2, NM_001385286.1).
Identifiers: ClinVar variation 1653507 (VCV001653507.9), dbSNP rs777616464, ClinGen allele CA96857448.

ClinVar aggregate classification (germline): Likely benign. Review status: criteria provided, multiple submitters, no conflicts (2 of 4 stars). 2 submissions from 2 submitters: Likely benign (2). Last evaluated 2026-05-26.

Conditions:
Gastrointestinal stromal tumor. Also called: Gastrointestinal stroma tumor; Gastrointestinal stromal tumor, somatic. Identifiers: Orphanet 44890, MedGen C0238198, MeSH D046152, MONDO:0011719, OMIM 606764, HP:0100723.

Submissions (2):

Myriad Genetics, Inc.
Classification: Likely benign for Gastrointestinal stromal tumor. Last evaluated: 2026-05-26. Review status: criteria provided, single submitter. Criteria: Myriad Autosomal Dominant, Autosomal Recessive and X-Linked Classification Criteria (2023). Collection method: clinical testing. Allele origin: unknown.
Comment: This variant is considered likely benign. This variant is intronic and is not expected to impact mRNA splicing. This variant has been observed at a population frequency that is significantly greater than expected given the associated disease prevalence and penetrance.

Labcorp Genetics (formerly Invitae), Labcorp
Classification: Likely benign for Gastrointestinal stromal tumor. Last evaluated: 2026-01-16. Review status: criteria provided, single submitter. Criteria: Invitae Variant Classification Sherloc (09022015). Collection method: clinical testing. Allele origin: germline.